The following is an entry in ClinVar:

NM_000128.4(F11):c.560G>T (p.Gly187Val)

Gene: F11 (coagulation factor XI; plus strand). Cytogenetic location: 4q35.2.
Variant type: single nucleotide variant.
Coding change: c.560G>T on transcript NM_000128.4 (MANE Select); coding-DNA position 560, G replaced by T.
Protein change: p.Gly187Val; replaces glycine 187 with valine.
Molecular consequence: missense variant.
Genome position (GRCh38, 1-based): chr4:186,275,861, G>T. VCF-style: chr4-186275861-G-T. GRCh37 (hg19) VCF-style: chr4-187197015-G-T.
Other names: short protein forms G187V.
Identifiers: ClinVar variation 1684397 (VCV001684397.1), dbSNP rs1740324523, ClinGen allele CA358958924.
Genomic context (GRCh38, chr4:186,275,861, plus strand): 5'-TGAAGCACACCCAAACAGGGACACCAACCAGAATAACGAAGCTCGATAAAGTGGTGTCTG[G>T]ATTTTCACTGAAATCCTGTGCACTTTCTAATCTGGGTAATTATCGACTTCTTGATGATGT-3'
Protein context (NP_000119.1, residues 177-197): RITKLDKVVS[Gly187Val]FSLKSCALSN

ClinVar aggregate classification (germline): Uncertain significance (0 of 4 stars; one submission).

Conditions:
Hereditary factor XI deficiency disease. Also called: Congenital factor XI deficiency; PLASMA THROMBOPLASTIN ANTECEDENT DEFICIENCY; PTA DEFICIENCY; ROSENTHAL SYNDROME. Identifiers: Orphanet 329, MedGen C0015523, MeSH D005173, MONDO:0012897, OMIM 612416.

gnomAD v4.1: 1 of 1,613,162 alleles (0.000062%); highest among the groups gnomAD compares: Non-Finnish European, 0.000085%; no homozygotes.

Submission:

ISTH-SSC Genomics in Thrombosis and Hemostasis, KU Leuven, Center for Molecular and Vascular Biology
Classification: Uncertain significance for Hereditary factor XI deficiency disease. Review status: no assertion criteria provided. Collection method: research. Allele origin: unknown. Affected: yes.
Comment: Submitted to GoldVariant by Dr Karyn Mégy from NIHR Bioresource - Cambridge University, UK